The following is an entry in ClinVar:

ClinVar aggregate classification (germline): Benign (1 of 4 stars; one submission).

gnomAD v4.1: 70 of 381,924 alleles (0.018%); highest among the groups gnomAD compares: Admixed American, 0.15%; no homozygotes.

Submission:

CeGaT Center for Human Genetics Tuebingen
Classification: Benign. Last evaluated: 2026-05-01. Review status: criteria provided, single submitter. Criteria: CeGaT Center For Human Genetics Tuebingen Variant Classification Criteria Version 2. Collection method: clinical testing. Allele origin: germline. Affected: yes. Observed: 1 variant allele.
Comment: KCNQ1OT1: BS1, BS2

NM_000218.3(KCNQ1):c.1394-21789C>T

Genes: KCNQ1 (potassium voltage-gated channel subfamily Q member 1; plus strand), KCNQ1OT1 (KCNQ1 opposite strand/antisense transcript 1; minus strand). Cytogenetic location: 11p15.5.
Variant type: single nucleotide variant.
Coding change: c.1394-21789C>T on transcript NM_000218.3 (MANE Select); 21789 bases into the intron before coding-DNA position 1394, C replaced by T.
Molecular consequence: intron variant. On other transcripts: non-coding transcript variant (1).
Genome position (GRCh38, 1-based): chr11:2,640,172, C>T. VCF-style: chr11-2640172-C-T. GRCh37 (hg19) VCF-style: chr11-2661402-C-T.
Other names: c.1124-21789C>T (NM_001406837.1); c.1298-21789C>T (NM_001406836.1); c.854-21789C>T (NM_001406838.1); c.1013-21789C>T (NM_181798.2).
Identifiers: ClinVar variation 4873891 (VCV004873891.2).